The following is an entry in ClinVar:

NM_020433.5(JPH2):c.1249A>G (p.Thr417Ala)

Gene: JPH2 (junctophilin 2; minus strand). Cytogenetic location: 20q13.12.
Variant type: single nucleotide variant.
Coding change: c.1249A>G on transcript NM_020433.5 (MANE Select); coding-DNA position 1249, A replaced by G.
Protein change: p.Thr417Ala; replaces threonine 417 with alanine.
Molecular consequence: missense variant.
Genome position (GRCh38, 1-based): chr20:44,118,544, T>C on the plus strand (A>G on the coding strand, the complement: JPH2 is on the minus strand). VCF-style: chr20-44118544-T-C. GRCh37 (hg19) VCF-style: chr20-42747184-T-C.
Other names: short protein forms T417A.
Identifiers: ClinVar variation 1760154 (VCV001760154.2), dbSNP rs2515719714, ClinGen allele CA409101739.

ClinVar aggregate classification (germline): Uncertain significance (1 of 4 stars; one submission).

Conditions:
Cardiovascular phenotype. Identifiers: MedGen CN230736.

Submission:

Ambry Genetics
Classification: Uncertain significance for Cardiovascular phenotype. Last evaluated: 2020-04-06. Review status: criteria provided, single submitter. Criteria: Ambry Variant Classification Scheme 2023. Collection method: clinical testing. Allele origin: germline.
Comment: The p.T417A variant (also known as c.1249A>G), located in coding exon 3 of the JPH2 gene, results from an A to G substitution at nucleotide position 1249. The threonine at codon 417 is replaced by alanine, an amino acid with similar properties. This amino acid position is not well conserved in available vertebrate species, and alanine is the reference amino acid in other vertebrate species. In addition, this alteration is predicted to be tolerated by in silico analysis. Since supporting evidence is limited at this time, the clinical significance of this alteration remains unclear.